The following is an entry in ClinVar:

NM_006231.4(POLE):c.5869G>T (p.Glu1957Ter)

Gene: POLE (DNA polymerase epsilon, catalytic subunit; minus strand). Cytogenetic location: 12q24.33.
Variant type: single nucleotide variant.
Coding change: c.5869G>T on transcript NM_006231.4 (MANE Select); coding-DNA position 5869, G replaced by T.
Protein change: p.Glu1957Ter; replaces glutamic acid 1957 with a stop codon.
Molecular consequence: nonsense.
Genome position (GRCh38, 1-based): chr12:132,634,321, C>A on the plus strand (G>T on the coding strand, the complement: POLE is on the minus strand). VCF-style: chr12-132634321-C-A. GRCh37 (hg19) VCF-style: chr12-133210907-C-A.
Other names: short protein forms E1957*.
Identifiers: ClinVar variation 4671595 (VCV004671595.1).
Genomic context (GRCh38, chr12:132,634,321, plus strand): 5'-CCAGTAAATCCTCCACGTTGGATTCCTCCGCCTCTTCCTCCTCCTCCCCATCTCTTTCCT[C>A]CTCATCGTCCTCATTTTCCTGCTCATCCTCTGCTCCCCCTGCTTTCTGGGAGTCTTGCTG-3'

ClinVar aggregate classification (germline): Uncertain significance (1 of 4 stars; one submission).

Conditions:
Hereditary cancer-predisposing syndrome. Also called: Neoplastic Syndromes, Hereditary; Tumor predisposition; Hereditary Cancer Syndrome; Hereditary neoplastic syndrome. Identifiers: Orphanet 140162, MedGen C0027672, MeSH D009386, MONDO:0015356.

Submission:

Ambry Genetics
Classification: Uncertain significance for Hereditary cancer-predisposing syndrome. Last evaluated: 2025-09-25. Review status: criteria provided, single submitter. Criteria: Ambry Variant Classification Scheme 2023. Collection method: clinical testing. Allele origin: germline.
Comment: The p.E1957* variant (also known as c.5869G>T), located in coding exon 43 of the POLE gene, results from a G to T substitution at nucleotide position 5869. This changes the amino acid from a glutamic acid to a stop codon within coding exon 43. This alteration is expected to result in loss of function by premature protein truncation or nonsense-mediated mRNA decay. Although biallelic loss of function of POLE has been associated with autosomal recessive POLE deficiency, haploinsufficiency of POLE has not been established as a mechanism of disease for POLE-related polymerase proofreading-associated polyposis (PPAP) and POLE-related CMMRD-like syndrome. Based on the supporting evidence, this variant is expected to be causative of POLE deficiency when present along with a second pathogenic variant on the other allele; however, its clinical significance for PPAP and POLE-related CMMRD-like syndrome is unclear.